The following is an entry in ClinVar:

ClinVar aggregate classification (germline): Likely benign (1 of 4 stars; one submission).

Conditions:
Familial cancer of breast. Also called: hereditary breast carcinoma; BREAST CANCER, FAMILIAL; Hereditary breast cancer. Identifiers: Orphanet 227535, MedGen C0346153, MONDO:0016419, OMIM 114480. Disease mechanism: loss of function.

Submission:

Myriad Genetics, Inc.
Classification: Likely benign for Familial cancer of breast. Last evaluated: 2024-06-18. Review status: criteria provided, single submitter. Criteria: Myriad Autosomal Dominant, Autosomal Recessive and X-Linked Classification Criteria (2023). Collection method: clinical testing. Allele origin: unknown.
Comment: This variant is considered likely benign. This variant is intronic and is not expected to impact mRNA splicing.

NM_000051.4(ATM):c.8011-14T>C

Genes: ATM (ATM serine/threonine kinase; plus strand), C11orf65 (chromosome 11 open reading frame 65; minus strand). Cytogenetic location: 11q22.3.
Variant type: single nucleotide variant.
Coding change: c.8011-14T>C on transcript NM_000051.4 (MANE Select); 14 bases into the intron before coding-DNA position 8011, T replaced by C.
Molecular consequence: intron variant.
Genome position (GRCh38, 1-based): chr11:108,334,955, T>C. VCF-style: chr11-108334955-T-C. GRCh37 (hg19) VCF-style: chr11-108205682-T-C.
Other names: c.8011-14T>C (NM_001351834.2); c.641-25884A>G (NM_001330368.2); c.*38+265A>G (NM_001351110.2).
Identifiers: ClinVar variation 3253817 (VCV003253817.1), dbSNP rs2136651161.